The following is an entry in ClinVar:

NM_004304.5(ALK):c.1870G>C (p.Ala624Pro)

Gene: ALK (ALK receptor tyrosine kinase; minus strand). Cytogenetic location: 2p23.2.
Variant type: single nucleotide variant.
Coding change: c.1870G>C on transcript NM_004304.5 (MANE Select); coding-DNA position 1870, G replaced by C.
Protein change: p.Ala624Pro; replaces alanine 624 with proline.
Molecular consequence: missense variant.
Genome position (GRCh38, 1-based): chr2:29,275,444, C>G on the plus strand (G>C on the coding strand, the complement: ALK is on the minus strand). VCF-style: chr2-29275444-C-G. GRCh37 (hg19) VCF-style: chr2-29498310-C-G.
Other names: short protein forms A624P.
Identifiers: ClinVar variation 945298 (VCV000945298.9), dbSNP rs1665516398, ClinGen allele CA346479943.

ClinVar aggregate classification (germline): Uncertain significance (1 of 4 stars; one submission).

Conditions:
Neuroblastoma, susceptibility to, 3. Also called: ALK-Related Neuroblastic Tumor Susceptibility. Identifiers: Orphanet 635, MedGen C2751681, MONDO:0013083, OMIM 613014.

Submission:

Labcorp Genetics (formerly Invitae), Labcorp
Classification: Uncertain significance for Neuroblastoma, susceptibility to, 3. Last evaluated: 2019-06-29. Review status: criteria provided, single submitter. Criteria: Invitae Variant Classification Sherloc (09022015). Collection method: clinical testing. Allele origin: germline.
Comment: This sequence change replaces alanine with proline at codon 624 of the ALK protein (p.Ala624Pro). The alanine residue is highly conserved and there is a small physicochemical difference between alanine and proline. This variant is not present in population databases (ExAC no frequency). This variant has not been reported in the literature in individuals with ALK-related conditions. Algorithms developed to predict the effect of missense changes on protein structure and function are either unavailable or do not agree on the potential impact of this missense change (SIFT: "Deleterious"; PolyPhen-2: "Probably Damaging"; Align-GVGD: "Class C0"). In summary, the available evidence is currently insufficient to determine the role of this variant in disease. Therefore, it has been classified as a Variant of Uncertain Significance.